The following is an entry in ClinVar:

NM_000169.3(GLA):c.1124G>A (p.Gly375Glu)

Genes: GLA (galactosidase alpha; minus strand), RPL36A-HNRNPH2 (RPL36A-HNRNPH2 readthrough; plus strand). Cytogenetic location: Xq22.1.
Variant type: single nucleotide variant.
Coding change: c.1124G>A on transcript NM_000169.3 (MANE Select); coding-DNA position 1124, G replaced by A.
Protein change: p.Gly375Glu; replaces glycine 375 with glutamic acid.
Molecular consequence: missense variant. On other transcripts: non-coding transcript variant (3), intron variant (2).
Genome position (GRCh38, 1-based): chrX:101,397,975, C>T on the plus strand (G>A on the coding strand, the complement: GLA is on the minus strand). VCF-style: chrX-101397975-C-T. GRCh37 (hg19) VCF-style: chrX-100652963-C-T.
Other names: c.1247G>A, p.Gly416Glu (NM_001406747.1); c.300+2518C>T (NM_001199973.2); c.177+6153C>T (NM_001199974.2); short protein forms G375E, G416E.
Identifiers: ClinVar variation 4087642 (VCV004087642.2).

ClinVar aggregate classification (germline): Uncertain significance (1 of 4 stars; one submission).

Conditions:
Fabry disease. Also called: ALPHA-GALACTOSIDASE A DEFICIENCY; ANDERSON-FABRY DISEASE; CERAMIDE TRIHEXOSIDASE DEFICIENCY; GLA DEFICIENCY; HEREDITARY DYSTOPIC LIPIDOSIS; Angiokeratoma corporis diffusum. Identifiers: Orphanet 324, MedGen C0002986, MONDO:0010526, OMIM 301500, HP:0001071. Disease mechanism: Fabry disease is due to inactivating mutations in the X-linked GLA gene resulting in deficiency of the enzyme Alpha Galactosidase-A., loss of function.

Submission:

Genomenon, Inc
Classification: Uncertain significance for Fabry disease. Last evaluated: 2026-09-08. Review status: criteria provided, single submitter. Criteria: Genomenon Sequence Variant Interpretation Standards - Updated. Collection method: curation. Allele origin: germline. Affected: yes.
Comment: GLA p.Gly375Glu (c.1124G>A) is a missense variant that changes the amino acid at codon 375 from Glycine to Glutamic acid. This variant has been observed in at least one proband with clinical features consistent with Fabry disease (PMID:32843101;29019163;30386727;37406430;31213654;34128148;31372342). Functional or patient cell studies have been reported (PMID:34128148;32843101;31213654;29019163;31372342;33016649). It is absent or not present at a significant frequency in gnomAD. In conclusion, we classify GLA p.Gly375Glu (c.1124G>A) as a variant of uncertain significance.

Literature cited by the submitters: PubMed 32843101; PubMed 29019163; PubMed 30386727; PubMed 37406430; PubMed 31213654; PubMed 34128148; PubMed 31372342; PubMed 33016649.